The following is an entry in ClinVar:

ClinVar aggregate classification (germline): Uncertain significance (1 of 4 stars; one submission).

Conditions:
Myasthenic syndrome, congenital, 22 (CMS22). Also called: PREPL DEFICIENCY. Identifiers: MedGen C4479088, MONDO:0044299, OMIM 616224.

Allele frequency attached by ClinVar (database versions not stated): ExAC 0.00003; 1000 Genomes Project 30x 0.00031; TOPMed 0.00005; 1000 Genomes Project 0.00040.
gnomAD v4.1: 24 of 1,613,874 alleles (0.0015%); highest among the groups gnomAD compares: Admixed American, 0.015%; no homozygotes.

Submission:

Labcorp Genetics (formerly Invitae), Labcorp
Classification: Uncertain significance for Myasthenic syndrome, congenital, 22. Last evaluated: 2022-10-13. Review status: criteria provided, single submitter. Criteria: Invitae Variant Classification Sherloc (09022015). Collection method: clinical testing. Allele origin: germline.
Comment: This sequence change replaces leucine, which is neutral and non-polar, with valine, which is neutral and non-polar, at codon 258 of the PREPL protein (p.Leu258Val). This variant is present in population databases (rs532684912, gnomAD 0.02%). This variant has not been reported in the literature in individuals affected with PREPL-related conditions. ClinVar contains an entry for this variant (Variation ID: 942750). Advanced modeling of protein sequence and biophysical properties (such as structural, functional, and spatial information, amino acid conservation, physicochemical variation, residue mobility, and thermodynamic stability) performed at Invitae indicates that this missense variant is not expected to disrupt PREPL protein function. In summary, the available evidence is currently insufficient to determine the role of this variant in disease. Therefore, it has been classified as a Variant of Uncertain Significance.

NM_001171613.2(PREPL):c.505C>G (p.Leu169Val)

Gene: PREPL (prolyl endopeptidase like; minus strand). Cytogenetic location: 2p21.
Variant type: single nucleotide variant.
Coding change: c.505C>G on transcript NM_001171613.2 (MANE Select); coding-DNA position 505, C replaced by G.
Protein change: p.Leu169Val; replaces leucine 169 with valine.
Molecular consequence: missense variant.
Genome position (GRCh38, 1-based): chr2:44,339,344, G>C on the plus strand (C>G on the coding strand, the complement: PREPL is on the minus strand). VCF-style: chr2-44339344-G-C. GRCh37 (hg19) VCF-style: chr2-44566483-G-C.
Other names: c.772C>G, p.Leu258Val (NM_006036.4, NM_001042385.2, NM_001042386.2 and 4 more transcripts); c.505C>G, p.Leu169Val (NM_001171617.1, NM_001374277.1); short protein forms L169V, L258V.
Identifiers: ClinVar variation 942750 (VCV000942750.7), dbSNP rs532684912, ClinGen allele CA1641435.